The following is an entry in ClinVar:

NM_006393.3(NEBL):c.1300A>C (p.Ile434Leu)

Gene: NEBL (nebulette; minus strand). Cytogenetic location: 10p12.31.
Variant type: single nucleotide variant.
Coding change: c.1300A>C on transcript NM_006393.3 (MANE Select); coding-DNA position 1300, A replaced by C.
Protein change: p.Ile434Leu; replaces isoleucine 434 with leucine.
Molecular consequence: missense variant. On other transcripts: intron variant (9).
Genome position (GRCh38, 1-based): chr10:20,840,777, T>G on the plus strand (A>C on the coding strand, the complement: NEBL is on the minus strand). VCF-style: chr10-20840777-T-G. GRCh37 (hg19) VCF-style: chr10-21129706-T-G.
Other names: c.250-27837A>C (NM_001377326.1, NM_001377327.1, NM_001377328.1); c.358-27837A>C (NM_213569.2, NM_001173484.2, NM_001377322.1); c.301-27837A>C (NM_001377324.1); c.292-27837A>C (NM_001377325.1); c.310-27837A>C (NM_001377323.1); short protein forms I434L.
Identifiers: ClinVar variation 1977807 (VCV001977807.5), dbSNP rs2491888194, ClinGen allele CA376099130.
Genomic context (GRCh38, chr10:20,840,777, plus strand): 5'-GGTGTTAAATAAACATACTCACCTCACTTGCCATTTCAGAGGCTCGCTTTGCTCTTTGGA[T>G]ATCAAGAACTTCTGAATTAAGTTCCATTCCTTTCCCTTTTATCTCATTTTCCAAATCTTT-3'
Protein context (NP_006384.1, residues 424-444): GMELNSEVLD[Ile434Leu]QRAKRASEMA

ClinVar aggregate classification (germline): Uncertain significance (1 of 4 stars; one submission).

Conditions:
Primary dilated cardiomyopathy (DCM). Also called: Dilated Cardiomyopathy. Identifiers: Orphanet 217604, MedGen C0007193, MeSH D002311, MONDO:0005021, HP:0001644. Inheritance: Various modes of inheritance.

Submission:

Labcorp Genetics (formerly Invitae), Labcorp
Classification: Uncertain significance for Primary dilated cardiomyopathy. Last evaluated: 2021-12-18. Review status: criteria provided, single submitter. Criteria: Invitae Variant Classification Sherloc (09022015). Collection method: clinical testing. Allele origin: germline.
Comment: In summary, the available evidence is currently insufficient to determine the role of this variant in disease. Therefore, it has been classified as a Variant of Uncertain Significance. Algorithms developed to predict the effect of missense changes on protein structure and function (SIFT, PolyPhen-2, Align-GVGD) all suggest that this variant is likely to be tolerated. This variant has not been reported in the literature in individuals affected with NEBL-related conditions. This variant is not present in population databases (gnomAD no frequency). This sequence change replaces isoleucine, which is neutral and non-polar, with leucine, which is neutral and non-polar, at codon 434 of the NEBL protein (p.Ile434Leu).